The following is an entry in ClinVar:

NM_182961.4(SYNE1):c.1259G>A (p.Arg420Lys)

Gene: SYNE1 (spectrin repeat containing nuclear envelope protein 1; minus strand). Cytogenetic location: 6q25.2.
Variant type: single nucleotide variant.
Coding change: c.1259G>A on transcript NM_182961.4 (MANE Select); coding-DNA position 1259, G replaced by A.
Protein change: p.Arg420Lys; replaces arginine 420 with lysine.
Molecular consequence: missense variant.
Genome position (GRCh38, 1-based): chr6:152,483,176, C>T on the plus strand (G>A on the coding strand, the complement: SYNE1 is on the minus strand). VCF-style: chr6-152483176-C-T. GRCh37 (hg19) VCF-style: chr6-152804311-C-T.
Other names: c.1280G>A, p.Arg427Lys (NM_033071.5); short protein forms R420K, R427K.
Identifiers: ClinVar variation 1988093 (VCV001988093.4), dbSNP rs758392851, ClinGen allele CA4059476.

ClinVar aggregate classification (germline): Uncertain significance (1 of 4 stars; one submission).

Conditions:
Autosomal recessive ataxia, Beauce type. Also called: SYNE1 Deficiency; Spinocerebellar ataxia, autosomal recessive 8; ATAXIA, RECESSIVE, OF BEAUCE; SYNE1-Related Autosomal Recessive Cerebellar Ataxia. Identifiers: Orphanet 88644, MedGen C1853116, MONDO:0012549, OMIM 610743.
Emery-Dreifuss muscular dystrophy 4, autosomal dominant (EDMD4). Also called: EMERY-DREIFUSS MUSCULAR DYSTROPHY 4 WITH VARIABLE FEATURES. Identifiers: Orphanet 261, MedGen C2751807, MONDO:0013071, OMIM 612998.

Allele frequency attached by ClinVar (database versions not stated): gnomAD exomes below 0.00001; ExAC 0.00001; gnomAD 0.00001; TOPMed 0.00002.
gnomAD v4.1: 3 of 1,614,082 alleles (0.00019%); highest among the groups gnomAD compares: Admixed American, 0.0017%; no homozygotes.

Submission:

Labcorp Genetics (formerly Invitae), Labcorp
Classification: Uncertain significance for Emery-Dreifuss muscular dystrophy 4, autosomal dominant; Autosomal recessive ataxia, Beauce type. Last evaluated: 2022-07-01. Review status: criteria provided, single submitter. Criteria: Invitae Variant Classification Sherloc (09022015). Collection method: clinical testing. Allele origin: germline.
Comment: In summary, the available evidence is currently insufficient to determine the role of this variant in disease. Therefore, it has been classified as a Variant of Uncertain Significance. Algorithms developed to predict the effect of missense changes on protein structure and function are either unavailable or do not agree on the potential impact of this missense change (SIFT: "Deleterious"; PolyPhen-2: "Possibly Damaging"; Align-GVGD: "Class C0"). This variant has not been reported in the literature in individuals affected with SYNE1-related conditions. This variant is present in population databases (rs758392851, gnomAD 0.0009%). This sequence change replaces arginine, which is basic and polar, with lysine, which is basic and polar, at codon 427 of the SYNE1 protein (p.Arg427Lys).